The following is an entry in ClinVar:

NM_001080508.3(TBX18):c.1477del (p.Ser493fs)

Gene: TBX18 (T-box transcription factor 18; minus strand). Cytogenetic location: 6q14.3.
Variant type: Deletion.
Coding change: c.1477del on transcript NM_001080508.3 (MANE Select); coding-DNA position 1477, one base deleted (T; older notation c.1477delT).
Protein change: p.Ser493fs; shifts the reading frame from serine 493.
Molecular consequence: frameshift variant.
Genome position (GRCh38, 1-based): chr6:84,737,032, A deleted on the plus strand (T on the coding strand, the reverse complement: TBX18 is on the minus strand). VCF-style (leftmost placement, unchanged base first): chr6-84737031-GA-G. GRCh37 (hg19) VCF-style: chr6-85446749-GA-G.
Other names: short protein forms S493fs.
Identifiers: ClinVar variation 503861 (VCV000503861.2), dbSNP rs1554219008, ClinGen allele CA658796794.
Genomic context (GRCh38, chr6:84,737,031, plus strand): 5'-GTCTGGTTAGTGGCGAAGGCATTGCTGGAGGGTGATGGCATGATATACTGGAGCTGGGGG[GA>G]CATTCCCGAAATCTGCATGGATAAGCTGGTCTGTGGGCAGCTGAAGGTGTCCCCATCAGT-3'

ClinVar aggregate classification (germline): Uncertain significance (1 of 4 stars; one submission).

Submission:

GeneDx
Classification: Uncertain significance. Last evaluated: 2017-11-22. Review status: criteria provided, single submitter. Criteria: GeneDx Variant Classification (06012015). Collection method: clinical testing. Allele origin: germline. Affected: yes.
Comment: The c.1477delT variant in the TBX18 gene has not been reported previously as a pathogenic variant nor as a benign variant, to our knowledge. The c.1477delT variant causes a frameshift starting with codon Serine 493, changes this amino acid to a Proline residue, and creates a premature Stop codon at position 71 of the new reading frame, denoted p.Ser493ProfsX71. This variant is predicted to cause loss of normal protein function through protein truncation, as the last 115 amino acids are lost and replaced with 70 incorrect amino acids. The c.1477delT variant is not observed in large population cohorts (Lek et al., 2016). We interpret c.1477delT as a variant of uncertain significance.